The following is an entry in ClinVar:

NM_001103.4(ACTN2):c.32A>G (p.Asn11Ser)

Gene: ACTN2 (actinin alpha 2; plus strand). Cytogenetic location: 1q43.
Variant type: single nucleotide variant.
Coding change: c.32A>G on transcript NM_001103.4 (MANE Select); coding-DNA position 32, A replaced by G.
Protein change: p.Asn11Ser; replaces asparagine 11 with serine.
Molecular consequence: missense variant. On other transcripts: 5 prime UTR variant (1).
Genome position (GRCh38, 1-based): chr1:236,686,705, A>G. VCF-style: chr1-236686705-A-G. GRCh37 (hg19) VCF-style: chr1-236850005-A-G.
Other names: c.32A>G, p.Asn11Ser (NM_001278343.2); c.-790A>G (NM_001278344.2); c.32A>G (NM_001103.2); short protein forms N11S.
Identifiers: ClinVar variation 857315 (VCV000857315.11), dbSNP rs1449856891, ClinGen allele CA345358117.

ClinVar aggregate classification (germline): Uncertain significance. Review status: criteria provided, multiple submitters, no conflicts (2 of 4 stars). 2 submissions from 2 submitters: Uncertain significance (2). Last evaluated 2024-08-03.

Conditions:
Cardiovascular phenotype. Identifiers: MedGen CN230736.
Primary familial hypertrophic cardiomyopathy (HCM). Identifiers: Orphanet 99739, MedGen C0949658, MeSH D024741, MONDO:0024573. Inheritance: Various modes of inheritance.
Dilated cardiomyopathy 1AA (CMD1AA). Also called: CARDIOMYOPATHY, DILATED, 1AA, WITH OR WITHOUT LEFT VENTRICULAR NONCOMPACTION; CARDIOMYOPATHY, FAMILIAL HYPERTROPHIC, 23, WITH OR WITHOUT LEFT VENTRICULAR NONCOMPACTION; Cardiomyopathy, dilated, 1AA, with or without LVNC. Identifiers: Orphanet 154, MedGen C2677338, MONDO:0012808, OMIM 612158.

Allele frequency attached by ClinVar (database versions not stated): gnomAD exomes below 0.00001; TOPMed below 0.00001; gnomAD 0.00001.
gnomAD v4.1: 3 of 1,567,068 alleles (0.00019%); highest among the groups gnomAD compares: Non-Finnish European, 0.00026%; no homozygotes.

Submissions (2):

Ambry Genetics
Classification: Uncertain significance for Cardiovascular phenotype. Last evaluated: 2024-08-03. Review status: criteria provided, single submitter. Criteria: Ambry Variant Classification Scheme 2023. Collection method: clinical testing. Allele origin: germline.
Comment: The p.N11S variant (also known as c.32A>G), located in coding exon 1 of the ACTN2 gene, results from an A to G substitution at nucleotide position 32. The asparagine at codon 11 is replaced by serine, an amino acid with highly similar properties. This amino acid position is conserved. In addition, this alteration is predicted to be tolerated by in silico analysis. Based on the available evidence, the clinical significance of this variant remains unclear.

Labcorp Genetics (formerly Invitae), Labcorp
Classification: Uncertain significance for Primary familial hypertrophic cardiomyopathy; Dilated cardiomyopathy 1AA. Last evaluated: 2024-06-12. Review status: criteria provided, single submitter. Criteria: Invitae Variant Classification Sherloc (09022015). Collection method: clinical testing. Allele origin: germline.
Comment: This sequence change replaces asparagine, which is neutral and polar, with serine, which is neutral and polar, at codon 11 of the ACTN2 protein (p.Asn11Ser). This variant is not present in population databases (gnomAD no frequency). This variant has not been reported in the literature in individuals affected with ACTN2-related conditions. ClinVar contains an entry for this variant (Variation ID: 857315). An algorithm developed to predict the effect of missense changes on protein structure and function (PolyPhen-2) suggests that this variant is likely to be tolerated. In summary, the available evidence is currently insufficient to determine the role of this variant in disease. Therefore, it has been classified as a Variant of Uncertain Significance.